The following is an entry in ClinVar:

NM_002457.5(MUC2):c.12339C>A (p.Thr4113=)

Gene: MUC2 (mucin 2, oligomeric mucus/gel-forming; plus strand). Cytogenetic location: 11p15.5.
Variant type: single nucleotide variant.
Coding change: c.12339C>A on transcript NM_002457.5 (MANE Select); coding-DNA position 12339, C replaced by A.
Protein change: p.Thr4113=; no amino-acid change (threonine 4113 retained).
Molecular consequence: synonymous variant.
Genome position (GRCh38, 1-based): chr11:1,099,673, C>A. VCF-style: chr11-1099673-C-A. GRCh37 (hg19) VCF-style: chr11-1093581-C-A.
Identifiers: ClinVar variation 2641145 (VCV002641145.24), dbSNP rs201324953, ClinGen allele CA5800274.
Genomic context (GRCh38, chr11:1,099,673, plus strand): 5'-AACACCCACCAGCACAAAGAGTACAACCGTGACACCCATCACCACCACAACTACGGTGAC[C>A]GCAACCCCAACACCCACCGGCACACAGACCCCAACCATGATACCCATCAGCACCACCACT-3'
Protein context (NP_002448.5, residues 4103-4123): VTPITTTTTV[Thr4113=]ATPTPTGTQT

ClinVar aggregate classification (germline): Likely benign (1 of 4 stars; one submission).

Submission:

CeGaT Center for Human Genetics Tuebingen
Classification: Likely benign. Last evaluated: 2023-03-01. Review status: criteria provided, single submitter. Criteria: CeGaT Center For Human Genetics Tuebingen Variant Classification Criteria Version 2. Collection method: clinical testing. Allele origin: germline. Affected: yes. Observed: 1 variant allele.
Comment: MUC2: BP4, BP7